The following is an entry in ClinVar:

ClinVar aggregate classification (germline): Benign/Likely benign. Review status: criteria provided, multiple submitters, no conflicts (2 of 4 stars). 4 submissions from 4 submitters: Benign (2); Likely benign (1). 1 of the submissions does not count toward it. Last evaluated 2026-02-04.

Conditions:
Holocarboxylase synthetase deficiency. Also called: MULTIPLE CARBOXYLASE DEFICIENCY, EARLY ONSET. Identifiers: Orphanet 79242, MedGen C0268581, MONDO:0009666, OMIM 253270.

Allele frequency attached by ClinVar (database versions not stated): gnomAD exomes 0.00022 and 0.00056; ExAC 0.00074; gnomAD 0.00216 and 0.00232; TOPMed 0.00244; 1000 Genomes Project 30x 0.00281; 1000 Genomes Project 0.00300; ESP Exome Variant Server 0.00338.
gnomAD v4.1: 645 of 1,614,146 alleles (0.04%); highest among the groups gnomAD compares: African/African-American, 0.79%; 5 homozygotes.

Submissions (4):

Labcorp Genetics (formerly Invitae), Labcorp
Classification: Benign for Holocarboxylase synthetase deficiency. Last evaluated: 2026-02-04. Review status: criteria provided, single submitter. Criteria: Invitae Variant Classification Sherloc (09022015). Collection method: clinical testing. Allele origin: germline.

CeGaT Center for Human Genetics Tuebingen
Classification: Likely benign. Last evaluated: 2023-04-01. Review status: criteria provided, single submitter. Criteria: CeGaT Center For Human Genetics Tuebingen Variant Classification Criteria Version 2. Collection method: clinical testing. Allele origin: germline. Affected: yes. Observed: 1 variant allele.
Comment: HLCS: BP4, BP7, BS2

GeneDx
Classification: Benign. Last evaluated: 2015-03-03. Review status: criteria provided, single submitter. Criteria: GeneDx Variant Classification Process June 2021. Collection method: clinical testing. Allele origin: germline. Affected: yes.

Natera, Inc.
Classification: Benign for Holocarboxylase synthetase deficiency. Last evaluated: 2020-09-16. Review status: no assertion criteria provided. Collection method: clinical testing. Allele origin: germline. Not counted in ClinVar's aggregate classification.

NM_001352514.2(HLCS):c.900G>A (p.Arg300=)

Gene: HLCS (holocarboxylase synthetase; minus strand). Cytogenetic location: 21q22.13.
Variant type: single nucleotide variant.
Coding change: c.900G>A on transcript NM_001352514.2 (MANE Select); coding-DNA position 900, G replaced by A.
Protein change: p.Arg300=; no amino-acid change (arginine 300 retained).
Molecular consequence: synonymous variant. On other transcripts: non-coding transcript variant (2).
Genome position (GRCh38, 1-based): chr21:36,936,986, C>T on the plus strand (G>A on the coding strand, the complement: HLCS is on the minus strand). VCF-style: chr21-36936986-C-T. GRCh37 (hg19) VCF-style: chr21-38309286-C-T.
Other names: c.459G>A, p.Arg153= (NM_000411.8, NM_001242784.3, NM_001242785.2 and 4 more transcripts).
Identifiers: ClinVar variation 702392 (VCV000702392.37), dbSNP rs146019354, ClinGen allele CA10020680.